The following is an entry in ClinVar:

ClinVar aggregate classification (germline): Uncertain significance (1 of 4 stars; one submission).

Conditions:
MC3R-related disorder. Also called: MC3R-related condition.

Submission:

PreventionGenetics, part of Exact Sciences
Classification: Uncertain significance for MC3R-related condition. Last evaluated: 2025-06-16. Review status: criteria provided, single submitter. Criteria: ACMG Guidelines, 2015. Collection method: clinical testing. Allele origin: germline.
Comment: The MC3R c.452G>T variant is predicted to result in the amino acid substitution p.Arg151Leu. To our knowledge, this variant has not been reported in the literature or in a large population database (gnomAD), indicating this variant is rare. At this time, the clinical significance of this variant is uncertain due to the absence of conclusive functional and genetic evidence.

NM_019888.3(MC3R):c.452G>T (p.Arg151Leu)

Gene: MC3R (melanocortin 3 receptor; plus strand). Cytogenetic location: 20q13.2.
Variant type: single nucleotide variant.
Coding change: c.452G>T on transcript NM_019888.3 (MANE Select); coding-DNA position 452, G replaced by T.
Protein change: p.Arg151Leu; replaces arginine 151 with leucine.
Molecular consequence: missense variant.
Genome position (GRCh38, 1-based): chr20:56,249,295, G>T. VCF-style: chr20-56249295-G-T. GRCh37 (hg19) VCF-style: chr20-54824351-G-T.
Other names: short protein forms R151L.
Identifiers: ClinVar variation 4997118 (VCV004997118.1).